The following is an entry in ClinVar:

NM_000451.4(SHOX):c.335A>C (p.Gln112Pro)

Genes: SHOX (SHOX homeobox; plus strand), LOC107652445 (meiotic recombination hotspot SHOX; plus strand). Cytogenetic location: Xp22.33.
Variant type: single nucleotide variant.
Coding change: c.335A>C on transcript NM_000451.4 (MANE Select); coding-DNA position 335, A replaced by C.
Protein change: p.Gln112Pro; replaces glutamine 112 with proline.
Molecular consequence: missense variant.
Genome position (GRCh38, 1-based): chrX:634,675, A>C. VCF-style: chrX-634675-A-C. GRCh37 (hg19) VCF-style: chrX-595410-A-C.
Other names: c.335A>C, p.Gln112Pro (NM_006883.2); c.335A>C (NM_000451.3); short protein forms Q112P.
Identifiers: ClinVar variation 1686187 (VCV001686187.2), dbSNP rs757391565, ClinGen allele CA10329953.

ClinVar aggregate classification (germline): Pathogenic/Likely pathogenic. Review status: criteria provided, multiple submitters, no conflicts (2 of 4 stars). 2 submissions from 2 submitters: Pathogenic (1); Likely pathogenic (1). Last evaluated 2022-05-04.

Conditions:
Leri-Weill dyschondrosteosis (LWD). Also called: DYSCHONDROSTEOSIS; Leri-Weill Dyschondrosteosis (LWD); Léri-Weill dyschondrosteosis. Identifiers: Orphanet 240, MedGen C0265309, MONDO:0007481, OMIM 127300.

Allele frequency attached by ClinVar (database versions not stated): gnomAD exomes 0.00001; TOPMed below 0.00001; ExAC 0.00001; gnomAD 0.00001.
gnomAD v4.1: 14 of 1,613,834 alleles (0.00087%); highest among the groups gnomAD compares: East Asian, 0.0089%; no homozygotes.

Submissions (2):

Mendelics
Classification: Pathogenic for Leri-Weill dyschondrosteosis. Last evaluated: 2022-05-04. Review status: criteria provided, single submitter. Criteria: Mendelics Assertion Criteria 2019. Collection method: clinical testing. Allele origin: germline.

Neuberg Centre For Genomic Medicine, NCGM
Classification: Likely pathogenic for Leri-Weill dyschondrosteosis. Review status: criteria provided, single submitter. Criteria: ACMG Guidelines, 2015. Collection method: clinical testing. Allele origin: germline. Affected: yes.
Comment: The effect of Q112P on SHOX activity is unknown. Additional evidence will be required to proove the pathogenicity of the variant conclusively